The following is an entry in ClinVar:

NM_001009944.3(PKD1):c.1117C>G (p.Leu373Val)

Gene: PKD1 (polycystin 1, transient receptor potential channel interacting; minus strand). Cytogenetic location: 16p13.3.
Variant type: single nucleotide variant.
Coding change: c.1117C>G on transcript NM_001009944.3 (MANE Select); coding-DNA position 1117, C replaced by G.
Protein change: p.Leu373Val; replaces leucine 373 with valine.
Molecular consequence: missense variant.
Genome position (GRCh38, 1-based): chr16:2,117,875, G>C on the plus strand (C>G on the coding strand, the complement: PKD1 is on the minus strand). VCF-style: chr16-2117875-G-C. GRCh37 (hg19) VCF-style: chr16-2167876-G-C.
Other names: c.1117C>G, p.Leu373Val (NM_000296.4); short protein forms L373V.
Identifiers: ClinVar variation 805139 (VCV000805139.10), dbSNP rs765067070, ClinGen allele CA7833595.
Genomic context (GRCh38, chr16:2,117,875, plus strand): 5'-CCACGATGCTGTAGGCGGCCTCCAGGCCTGAACCACCGCGGTTCTGGATGCTGAGGTCGA[G>C]GCTCTCGTCACTCTGCACCGAGGACGGGCACACGAGCTCCAGGGCGGCAGGTGCCGCTTC-3'
Protein context (NP_001009944.3, residues 363-383): CPSSVQSDES[Leu373Val]DLSIQNRGGS

ClinVar aggregate classification (germline): Conflicting classifications of pathogenicity. Review status: criteria provided, conflicting classifications (1 of 4 stars). 6 submissions from 6 submitters: Uncertain significance (3); Likely benign (3). Last evaluated 2026-04-28.

Conditions:
PKD1-related disorder. Also called: PKD1-related condition.
Inborn genetic diseases. Identifiers: MedGen C0950123, MeSH D030342.

Allele frequency attached by ClinVar (database versions not stated): ExAC below 0.00001; gnomAD exomes 0.00013; TOPMed 0.00014; 1000 Genomes Project 30x 0.00016; gnomAD 0.00019.

Submissions (6):

Women's Health and Genetics/Laboratory Corporation of America, LabCorp
Classification: Uncertain significance. Last evaluated: 2026-04-28. Review status: criteria provided, single submitter. Criteria: LabCorp Variant Classification Summary - May 2015. Collection method: clinical testing. Allele origin: germline.
Comment: Variant summary: PKD1 c.1117C>G (p.Leu373Val) results in a conservative amino acid change in the encoded protein sequence. Algorithms developed to predict the effect of missense changes on protein structure and function are either unavailable or do not agree on the potential impact of this missense change. The variant allele was found at a frequency of 0.00013 in 94992 control chromosomes (gnomAD). This frequency is not significantly higher than estimated for disease-causing variants in PKD1, allowing no conclusion about variant significance. c.1117C>G has been observed in at least one individual affected with autosomal dominant Polycystic Kidney Disease 1 (example: Allmer_2024). This report does not provide unequivocal conclusions about association of the variant with PKD1-related conditions. To our knowledge, no experimental evidence demonstrating an impact on protein function has been reported. The following publication has been ascertained in the context of this evaluation (PMID: 39574911). ClinVar contains an entry for this variant (Variation ID: 805139). Based on the evidence outlined above, the variant was classified as uncertain significance.

PreventionGenetics, part of Exact Sciences
Classification: Likely benign for PKD1-related condition. Last evaluated: 2026-01-12. Review status: criteria provided, single submitter. Criteria: ACMG Guidelines, 2015. Collection method: clinical testing. Allele origin: germline.
Comment: This variant is classified as likely benign based on ACMG/AMP sequence variant interpretation guidelines (Richards et al. 2015 PMID: 25741868, with internal and published modifications).

Blueprint Genetics
Classification: Likely benign. Last evaluated: 2024-10-30. Review status: criteria provided, single submitter. Criteria: ACMG Guidelines, 2015. Collection method: clinical testing. Allele origin: germline.

Ambry Genetics
Classification: Uncertain significance for Inborn genetic diseases. Last evaluated: 2022-09-27. Review status: criteria provided, single submitter. Criteria: Ambry Variant Classification Scheme 2023. Collection method: clinical testing. Allele origin: germline.

Athena Diagnostics
Classification: Uncertain significance. Last evaluated: 2021-05-26. Review status: criteria provided, single submitter. Criteria: Athena Diagnostics criteria. Collection method: clinical testing. Allele origin: unknown.

GeneDx
Classification: Likely benign. Last evaluated: 2021-05-05. Review status: criteria provided, single submitter. Criteria: GeneDx Variant Classification Process June 2021. Collection method: clinical testing. Allele origin: germline. Affected: yes.
Comment: This variant is associated with the following publications: (PMID: 26950445)

Literature cited by the submitters: PubMed 39574911 (cited by Women's Health and Genetics/Laboratory Corporation of America, LabCorp).